The following is an entry in ClinVar:

NM_016111.4(TELO2):c.1382C>A (p.Thr461Lys)

Gene: TELO2 (telomere maintenance 2; plus strand). Cytogenetic location: 16p13.3.
Variant type: single nucleotide variant.
Coding change: c.1382C>A on transcript NM_016111.4 (MANE Select); coding-DNA position 1382, C replaced by A.
Protein change: p.Thr461Lys; replaces threonine 461 with lysine.
Molecular consequence: missense variant.
Genome position (GRCh38, 1-based): chr16:1,501,683, C>A. VCF-style: chr16-1501683-C-A. GRCh37 (hg19) VCF-style: chr16-1551684-C-A.
Other names: c.1382C>A (NM_016111.3); c.1382C>A, p.Thr461Lys (NM_001351846.2); short protein forms T461K.
Identifiers: ClinVar variation 2081189 (VCV002081189.5), dbSNP rs199748546, ClinGen allele CA7812116.

ClinVar aggregate classification (germline): Uncertain significance. Review status: criteria provided, multiple submitters, no conflicts (2 of 4 stars). 2 submissions from 2 submitters: Uncertain significance (2). Last evaluated 2025-08-22.

Conditions:
Inborn genetic diseases. Identifiers: MedGen C0950123, MeSH D030342.

Allele frequency attached by ClinVar (database versions not stated): ESP Exome Variant Server 0.00008; 1000 Genomes Project 0.00060; 1000 Genomes Project 30x 0.00062.
gnomAD v4.1: 88 of 1,610,236 alleles (0.0055%); highest among the groups gnomAD compares: Middle Eastern, 0.066%; no homozygotes.

Submissions (2):

Ambry Genetics
Classification: Uncertain significance for Inborn genetic diseases. Last evaluated: 2025-08-22. Review status: criteria provided, single submitter. Criteria: Ambry Variant Classification Scheme 2023. Collection method: clinical testing. Allele origin: germline.

Labcorp Genetics (formerly Invitae), Labcorp
Classification: Uncertain significance. Last evaluated: 2023-12-18. Review status: criteria provided, single submitter. Criteria: Invitae Variant Classification Sherloc (09022015). Collection method: clinical testing. Allele origin: germline.
Comment: This sequence change replaces threonine, which is neutral and polar, with lysine, which is basic and polar, at codon 461 of the TELO2 protein (p.Thr461Lys). This variant is present in population databases (rs199748546, gnomAD 0.02%). This variant has not been reported in the literature in individuals affected with TELO2-related conditions. ClinVar contains an entry for this variant (Variation ID: 2081189). Advanced modeling of protein sequence and biophysical properties (such as structural, functional, and spatial information, amino acid conservation, physicochemical variation, residue mobility, and thermodynamic stability) performed at Invitae indicates that this missense variant is not expected to disrupt TELO2 protein function with a negative predictive value of 80%. In summary, the available evidence is currently insufficient to determine the role of this variant in disease. Therefore, it has been classified as a Variant of Uncertain Significance.